The following is an entry in ClinVar:

ClinVar aggregate classification (germline): Uncertain significance (1 of 4 stars; one submission).

Conditions:
Hereditary cancer-predisposing syndrome. Also called: Hereditary neoplastic syndrome; Tumor predisposition; Hereditary Cancer Syndrome; Neoplastic Syndromes, Hereditary. Identifiers: Orphanet 140162, MedGen C0027672, MeSH D009386, MONDO:0015356.

Submission:

Ambry Genetics
Classification: Uncertain significance for Hereditary cancer-predisposing syndrome. Last evaluated: 2023-07-29. Review status: criteria provided, single submitter. Criteria: Ambry Variant Classification Scheme 2023. Collection method: clinical testing. Allele origin: germline.
Comment: The p.E332A variant (also known as c.995A>C), located in coding exon 4 of the BLM gene, results from an A to C substitution at nucleotide position 995. The glutamic acid at codon 332 is replaced by alanine, an amino acid with dissimilar properties. This amino acid position is conserved. In addition, this alteration is predicted to be tolerated by in silico analysis. Since supporting evidence is limited at this time, the clinical significance of this alteration remains unclear.

NM_000057.4(BLM):c.995A>C (p.Glu332Ala)

Gene: BLM (BLM RecQ like helicase; plus strand). Cytogenetic location: 15q26.1.
Variant type: single nucleotide variant.
Coding change: c.995A>C on transcript NM_000057.4 (MANE Select); coding-DNA position 995, A replaced by C.
Protein change: p.Glu332Ala; replaces glutamic acid 332 with alanine.
Molecular consequence: missense variant. On other transcripts: 5 prime UTR variant (1).
Genome position (GRCh38, 1-based): chr15:90,754,846, A>C. VCF-style: chr15-90754846-A-C. GRCh37 (hg19) VCF-style: chr15-91298076-A-C.
Other names: c.995A>C, p.Glu332Ala (NM_001287246.2, NM_001287247.2); c.-297A>C (NM_001287248.2); short protein forms E332A.
Identifiers: ClinVar variation 2586889 (VCV002586889.2), dbSNP rs2151152146, ClinGen allele CA393842056.